The following is an entry in ClinVar:

NM_030665.4(RAI1):c.5445C>T (p.Pro1815=)

Gene: RAI1 (retinoic acid induced 1; plus strand). Cytogenetic location: 17p11.2.
Variant type: single nucleotide variant.
Coding change: c.5445C>T on transcript NM_030665.4 (MANE Select); coding-DNA position 5445, C replaced by T.
Protein change: p.Pro1815=; no amino-acid change (proline 1815 retained).
Molecular consequence: synonymous variant.
Genome position (GRCh38, 1-based): chr17:17,798,393, C>T. VCF-style: chr17-17798393-C-T. GRCh37 (hg19) VCF-style: chr17-17701707-C-T.
Other names: c.5445C>T (NM_030665.3).
Identifiers: ClinVar variation 2159862 (VCV002159862.5), dbSNP rs764768350, ClinGen allele CA8419160.
Genomic context (GRCh38, chr17:17,798,393, plus strand): 5'-GGCAGCCCCAGCCGACAAGGGTCGCAAACATGAGTGCAGCAAGGAGGCTCCGGCAGAGCC[C>T]GGCGGGGAGGCCCAGGAGCACTGGGTGCATGAGGCCTGTGCCGTGTGGACCGGCGGCGTC-3'
Protein context (NP_109590.3, residues 1805-1825): HECSKEAPAE[Pro1815=]GGEAQEHWVH

ClinVar aggregate classification (germline): Likely benign. Review status: criteria provided, single submitter (1 of 4 stars). 2 submissions from 2 submitters: Likely benign (1). 1 of the submissions does not count toward it. Last evaluated 2025-02-19.

Conditions:
RAI1-related disorder. Also called: RAI1-related condition.

Allele frequency attached by ClinVar (database versions not stated): gnomAD exomes 0.00002; ExAC 0.00003.

Submissions (2):

Labcorp Genetics (formerly Invitae), Labcorp
Classification: Likely benign. Last evaluated: 2025-02-19. Review status: criteria provided, single submitter. Criteria: Invitae Variant Classification Sherloc (09022015). Collection method: clinical testing. Allele origin: germline.

PreventionGenetics, part of Exact Sciences
Classification: Likely benign for RAI1-related condition. Last evaluated: 2024-05-31. Review status: no assertion criteria provided. Collection method: clinical testing. Allele origin: germline. Not counted in ClinVar's aggregate classification.
Comment: This variant is classified as likely benign based on ACMG/AMP sequence variant interpretation guidelines (Richards et al. 2015 PMID: 25741868, with internal and published modifications).